The following is an entry in ClinVar:

NM_015346.4(ZFYVE26):c.7348G>A (p.Ala2450Thr)

Gene: ZFYVE26 (zinc finger FYVE-type containing 26; minus strand). Cytogenetic location: 14q24.1.
Variant type: single nucleotide variant.
Coding change: c.7348G>A on transcript NM_015346.4 (MANE Select); coding-DNA position 7348, G replaced by A.
Protein change: p.Ala2450Thr; replaces alanine 2450 with threonine.
Molecular consequence: missense variant.
Genome position (GRCh38, 1-based): chr14:67,752,367, C>T on the plus strand (G>A on the coding strand, the complement: ZFYVE26 is on the minus strand). VCF-style: chr14-67752367-C-T. GRCh37 (hg19) VCF-style: chr14-68219084-C-T.
Other names: c.7348G>A (NM_015346.3); short protein forms A2450T.
Identifiers: ClinVar variation 2043971 (VCV002043971.3), dbSNP rs143861777, ClinGen allele CA7239001.

ClinVar aggregate classification (germline): Uncertain significance. Review status: criteria provided, multiple submitters, no conflicts (2 of 4 stars). 3 submissions from 3 submitters: Uncertain significance (3). Last evaluated 2026-04-04.

Conditions:
Spastic paraplegia. Identifiers: MedGen C0037772, HP:0001258.

Allele frequency attached by ClinVar (database versions not stated): 1000 Genomes Project 30x 0.00031; gnomAD 0.00042; ESP Exome Variant Server 0.00062; 1000 Genomes Project 0.00020; ExAC 0.00021; TOPMed 0.00053; gnomAD exomes 0.00003.
gnomAD v4.1: 103 of 1,611,890 alleles (0.0064%); highest among the groups gnomAD compares: African/African-American, 0.12%; no homozygotes.

Submissions (3):

GeneDx
Classification: Uncertain significance. Last evaluated: 2026-04-04. Review status: criteria provided, single submitter. Criteria: GeneDx Variant Classification Process June 2021. Collection method: clinical testing. Allele origin: germline.
Comment: In silico analysis suggests that this missense variant does not alter protein structure/function; Has not been previously published as pathogenic or benign to our knowledge

Labcorp Genetics (formerly Invitae), Labcorp
Classification: Uncertain significance for Spastic paraplegia. Last evaluated: 2022-10-17. Review status: criteria provided, single submitter. Criteria: Invitae Variant Classification Sherloc (09022015). Collection method: clinical testing. Allele origin: germline.
Comment: This sequence change replaces alanine, which is neutral and non-polar, with threonine, which is neutral and polar, at codon 2450 of the ZFYVE26 protein (p.Ala2450Thr). This variant is present in population databases (rs143861777, gnomAD 0.2%). This variant has not been reported in the literature in individuals affected with ZFYVE26-related conditions. Algorithms developed to predict the effect of missense changes on protein structure and function (SIFT, PolyPhen-2, Align-GVGD) all suggest that this variant is likely to be tolerated. In summary, the available evidence is currently insufficient to determine the role of this variant in disease. Therefore, it has been classified as a Variant of Uncertain Significance.

Athena Diagnostics
Classification: Uncertain significance. Last evaluated: 2022-10-11. Review status: criteria provided, single submitter. Criteria: Athena Diagnostics Criteria. Collection method: clinical testing. Allele origin: unknown.
Comment: Available data are insufficient to determine the clinical significance of the variant at this time. The frequency of this variant in the general population is higher than would generally be expected for pathogenic variants in this gene. Computational tools predict that this variant is not damaging.